The following is an entry in ClinVar:

ClinVar aggregate classification (germline): Pathogenic (1 of 4 stars; one submission).

gnomAD v4.1: 20 of 1,613,914 alleles (0.0012%); highest among the groups gnomAD compares: Non-Finnish European, 0.0015%; no homozygotes.

Submission:

Labcorp Genetics (formerly Invitae), Labcorp
Classification: Pathogenic. Last evaluated: 2024-12-04. Review status: criteria provided, single submitter. Criteria: Invitae Variant Classification Sherloc (09022015). Collection method: clinical testing. Allele origin: germline.
Comment: This sequence change creates a premature translational stop signal (p.Arg984*) in the MYO3A gene. It is expected to result in an absent or disrupted protein product. Loss-of-function variants in MYO3A are known to be pathogenic (PMID: 12032315, 23990876). This variant is present in population databases (rs759428208, gnomAD 0.004%). This variant has not been reported in the literature in individuals affected with MYO3A-related conditions. For these reasons, this variant has been classified as Pathogenic.

Literature cited by the submitters: PubMed 12032315; PubMed 23990876.

NM_017433.5(MYO3A):c.2950C>T (p.Arg984Ter)

Gene: MYO3A (myosin IIIA; plus strand). Cytogenetic location: 10p12.1.
Variant type: single nucleotide variant.
Coding change: c.2950C>T on transcript NM_017433.5 (MANE Select); coding-DNA position 2950, C replaced by T.
Protein change: p.Arg984Ter; replaces arginine 984 with a stop codon.
Molecular consequence: nonsense.
Genome position (GRCh38, 1-based): chr10:26,157,466, C>T. VCF-style: chr10-26157466-C-T. GRCh37 (hg19) VCF-style: chr10-26446395-C-T.
Other names: short protein forms R984*.
Identifiers: ClinVar variation 3609195 (VCV003609195.2).